The following is an entry in ClinVar:

NM_002133.3(HMOX1):c.17C>A (p.Pro6His)

Gene: HMOX1 (heme oxygenase 1; plus strand). Cytogenetic location: 22q12.3.
Variant type: single nucleotide variant.
Coding change: c.17C>A on transcript NM_002133.3 (MANE Select); coding-DNA position 17, C replaced by A.
Protein change: p.Pro6His; replaces proline 6 with histidine.
Molecular consequence: missense variant.
Genome position (GRCh38, 1-based): chr22:35,381,190, C>A. VCF-style: chr22-35381190-C-A. GRCh37 (hg19) VCF-style: chr22-35777183-C-A.
Other names: short protein forms P6H.
Identifiers: ClinVar variation 2632902 (VCV002632902.1), dbSNP rs1350094270, ClinGen allele CA411351094.
Genomic context (GRCh38, chr22:35,381,190, plus strand): 5'-CCGCCGCCCGCGGAGCCAGCACGAACGAGCCCAGCACCGGCCGGATGGAGCGTCCGCAAC[C>A]CGACAGGCAAGCGCGGGGCGCGGGACGCGGGACGGGCGCCTTTCTCTCCCAACCCTGCTT-3'
Protein context (NP_002124.1, residues 1-16): MERPQ[Pro6His]DSMPQDLSEA

ClinVar aggregate classification (germline): Uncertain significance (1 of 4 stars; one submission).

Conditions:
HMOX1-related disorder. Also called: HMOX1-related condition.

Submission:

PreventionGenetics, part of Exact Sciences
Classification: Uncertain significance for HMOX1-related condition. Last evaluated: 2023-05-09. Review status: criteria provided, single submitter. Criteria: ACMG Guidelines, 2015. Collection method: clinical testing. Allele origin: germline.
Comment: The HMOX1 c.17C>A variant is predicted to result in the amino acid substitution p.Pro6His. To our knowledge, this variant has not been reported in the literature or in a large population database, indicating this variant is rare. At this time, the clinical significance of this variant is uncertain due to the absence of conclusive functional and genetic evidence.